The following is an entry in ClinVar:

NM_001999.4(FBN2):c.4135G>C (p.Asp1379His)

Gene: FBN2 (fibrillin 2; minus strand). Cytogenetic location: 5q23.3.
Variant type: single nucleotide variant.
Coding change: c.4135G>C on transcript NM_001999.4 (MANE Select); coding-DNA position 4135, G replaced by C.
Protein change: p.Asp1379His; replaces aspartic acid 1379 with histidine.
Molecular consequence: missense variant.
Genome position (GRCh38, 1-based): chr5:128,332,999, C>G on the plus strand (G>C on the coding strand, the complement: FBN2 is on the minus strand). VCF-style: chr5-128332999-C-G. GRCh37 (hg19) VCF-style: chr5-127668691-C-G.
Other names: short protein forms D1379H.
Identifiers: ClinVar variation 2772835 (VCV002772835.3), dbSNP rs770322643, ClinGen allele CA360755268.
Genomic context (GRCh38, chr5:128,332,999, plus strand): 5'-AGCCTTCTCTGCAGCTACACTTGAAGCTTCCTGGGATATTCAGACATGAGGCATGCATGT[C>G]GCAGTTATGAGCACCAATTTCACACTCATCCACATCTGATAAACCATAATTCATAAGAAG-3'
Protein context (NP_001990.2, residues 1369-1389): DECEIGAHNC[Asp1379His]MHASCLNIPG

ClinVar aggregate classification (germline): Uncertain significance (1 of 4 stars; one submission).

Conditions:
Congenital contractural arachnodactyly (CCA). Also called: BEALS SYNDROME; Beals-Hecht syndrome; Arthrogryposis, distal, type 9. Identifiers: Orphanet 115, MedGen C0220668, MONDO:0007363, OMIM 121050.

Submission:

Labcorp Genetics (formerly Invitae), Labcorp
Classification: Uncertain significance for Congenital contractural arachnodactyly. Last evaluated: 2023-10-29. Review status: criteria provided, single submitter. Criteria: Invitae Variant Classification Sherloc (09022015). Collection method: clinical testing. Allele origin: germline.
Comment: This sequence change replaces aspartic acid, which is acidic and polar, with histidine, which is basic and polar, at codon 1379 of the FBN2 protein (p.Asp1379His). This variant is not present in population databases (gnomAD no frequency). This variant has not been reported in the literature in individuals affected with FBN2-related conditions. Advanced modeling of protein sequence and biophysical properties (such as structural, functional, and spatial information, amino acid conservation, physicochemical variation, residue mobility, and thermodynamic stability) performed at Invitae indicates that this missense variant is not expected to disrupt FBN2 protein function with a negative predictive value of 80%. In summary, the available evidence is currently insufficient to determine the role of this variant in disease. Therefore, it has been classified as a Variant of Uncertain Significance.